The following is an entry in ClinVar:

NM_007208.4(MRPL3):c.1033A>G (p.Ile345Val)

Gene: MRPL3 (mitochondrial ribosomal protein L3; minus strand). Cytogenetic location: 3q22.1.
Variant type: single nucleotide variant.
Coding change: c.1033A>G on transcript NM_007208.4 (MANE Select); coding-DNA position 1033, A replaced by G.
Protein change: p.Ile345Val; replaces isoleucine 345 with valine.
Molecular consequence: missense variant.
Genome position (GRCh38, 1-based): chr3:131,462,737, T>C on the plus strand (A>G on the coding strand, the complement: MRPL3 is on the minus strand). VCF-style: chr3-131462737-T-C. GRCh37 (hg19) VCF-style: chr3-131181581-T-C.
Other names: c.1033A>G (NM_007208.3); short protein forms I345V.
Identifiers: ClinVar variation 425313 (VCV000425313.51), dbSNP rs143176048, ClinGen allele CA2616836.
Genomic context (GRCh38, chr3:131,462,737, plus strand): 5'-CATCGAAGCTCACAGAATATGTAAGGTTCTGCCACGTCCAAAGATGTTAGGCAAATGTAA[T>C]AGAAGGCGCACCGGGCTGACACACGTTTTCATCATACAAATCTTCTGGCAGTTCCTCTTC-3'
Protein context (NP_009139.1, residues 335-348): ENVCQPGAPS[Ile345Val]TFA

ClinVar aggregate classification (germline): Uncertain significance. Review status: criteria provided, multiple submitters, no conflicts (2 of 4 stars). 4 submissions from 4 submitters: Uncertain significance (4). Last evaluated 2026-08-19.

Allele frequency attached by ClinVar (database versions not stated): TOPMed 0.00028; ESP Exome Variant Server 0.00031; gnomAD 0.00041; 1000 Genomes Project 0.00060; 1000 Genomes Project 30x 0.00078.

Submissions (4):

GeneDx
Classification: Uncertain significance. Last evaluated: 2026-08-19. Review status: criteria provided, single submitter. Criteria: GeneDx Variant Classification Process June 2021. Collection method: clinical testing. Allele origin: germline.
Comment: In silico analysis suggests that this missense variant does not alter protein structure/function; Has not been previously published as pathogenic or benign to our knowledge

Ambry Genetics
Classification: Uncertain significance. Last evaluated: 2025-08-08. Review status: criteria provided, single submitter. Criteria: Ambry Variant Classification Scheme 2023. Collection method: clinical testing. Allele origin: germline.

Labcorp Genetics (formerly Invitae), Labcorp
Classification: Uncertain significance. Last evaluated: 2022-05-27. Review status: criteria provided, single submitter. Criteria: Invitae Variant Classification Sherloc (09022015). Collection method: clinical testing. Allele origin: germline.
Comment: This sequence change replaces isoleucine, which is neutral and non-polar, with valine, which is neutral and non-polar, at codon 345 of the MRPL3 protein (p.Ile345Val). This variant is present in population databases (rs143176048, gnomAD 0.06%). This variant has not been reported in the literature in individuals affected with MRPL3-related conditions. ClinVar contains an entry for this variant (Variation ID: 425313). Algorithms developed to predict the effect of missense changes on protein structure and function output the following: SIFT: "Tolerated"; PolyPhen-2: "Benign"; Align-GVGD: "Class C0". The valine amino acid residue is found in multiple mammalian species, which suggests that this missense change does not adversely affect protein function. In summary, the available evidence is currently insufficient to determine the role of this variant in disease. Therefore, it has been classified as a Variant of Uncertain Significance.

CeGaT Center for Human Genetics Tuebingen
Classification: Uncertain significance. Last evaluated: 2016-09-01. Review status: criteria provided, single submitter. Criteria: CeGaT Center For Human Genetics Tuebingen Variant Classification Criteria Version 2. Collection method: clinical testing. Allele origin: germline. Affected: yes. Observed: 1 variant allele.